The following is an entry in ClinVar:

ClinVar aggregate classification (germline): Likely pathogenic (1 of 4 stars; one submission).

Conditions:
Hereditary cancer-predisposing syndrome. Also called: Neoplastic Syndromes, Hereditary; Hereditary Cancer Syndrome; Tumor predisposition; Hereditary neoplastic syndrome. Identifiers: Orphanet 140162, MedGen C0027672, MeSH D009386, MONDO:0015356.

Allele frequency attached by ClinVar (database versions not stated): ExAC 0.00001.
gnomAD v4.1: 2 of 1,606,008 alleles (0.00012%); highest among the groups gnomAD compares: South Asian, 0.0022%; no homozygotes.

Submission:

Ambry Genetics
Classification: Likely pathogenic for Hereditary cancer-predisposing syndrome. Last evaluated: 2026-04-03. Review status: criteria provided, single submitter. Criteria: Ambry Variant Classification Scheme 2023. Collection method: clinical testing. Allele origin: germline.
Comment: The p.T18P variant (also known as c.52A>C), located in coding exon 1 of the CDKN2A gene, results from an A to C substitution at nucleotide position 52. The threonine at codon 18 is replaced by proline, an amino acid with highly similar properties. This variant was reported in multiple individuals with features consistent with melanoma-pancreatic cancer syndrome (Ambry internal data). This alteration has also been reported in at least one individual with suspected familial pancreatic cancer and was classified as a variant of unknown significance by authors (Zhen DB et al, Genet. Med. 2015 Jul; 17(7):569-77; Chaffee KG. et al, Genet Med. 2018 01;20(1):119-127). One functional study reported this variant as deleterious based on proliferation assays conducted in human pancreatic cancer cell lines (Kimura H et al. Elife, 2022 Jan;11:). This amino acid position is not well conserved in available vertebrate species. In addition, this alteration is predicted to be tolerated by in silico analysis. Based on the majority of available evidence to date, this variant is likely to be pathogenic.

Literature cited by the submitters: PubMed 25356972; PubMed 28726808; PubMed 35001868.

NM_000077.5(CDKN2A):c.52A>C (p.Thr18Pro)

Gene: CDKN2A (cyclin dependent kinase inhibitor 2A; minus strand). Cytogenetic location: 9p21.3.
Variant type: single nucleotide variant.
Coding change: c.52A>C on transcript NM_000077.5; coding-DNA position 52, A replaced by C.
Protein change: p.Thr18Pro; replaces threonine 18 with proline.
Molecular consequence: missense variant (on NM_000077.6). On other transcripts: intron variant (2).
Genome position (GRCh38, 1-based): chr9:21,974,776, T>G on the plus strand (A>C on the coding strand, the complement: CDKN2A is on the minus strand). VCF-style: chr9-21974776-T-G. GRCh37 (hg19) VCF-style: chr9-21974775-T-G.
Other names: c.52A>C, p.Thr18Pro (NM_000077.6, NM_001195132.2, NM_058197.5); c.-3-3568A>C (NM_001363763.2); c.194-3568A>C (NM_058195.4); short protein forms T18P.
Identifiers: ClinVar variation 232702 (VCV000232702.7), dbSNP rs758455611, ClinGen allele CA5012330.